The following is an entry in ClinVar:

ClinVar aggregate classification (germline): Uncertain significance. Review status: criteria provided, multiple submitters, no conflicts (2 of 4 stars). 2 submissions from 2 submitters: Uncertain significance (2). Last evaluated 2025-09-11.

Conditions:
Inborn genetic diseases. Identifiers: MedGen C0950123, MeSH D030342.

Allele frequency attached by ClinVar (database versions not stated): gnomAD exomes below 0.00001 and 0.00001; TOPMed below 0.00001; gnomAD 0.00001.
gnomAD v4.1: 7 of 1,614,084 alleles (0.00043%); highest among the groups gnomAD compares: East Asian, 0.0022%; no homozygotes.

Submissions (2):

Ambry Genetics
Classification: Uncertain significance for Inborn genetic diseases. Last evaluated: 2025-09-11. Review status: criteria provided, single submitter. Criteria: Ambry Variant Classification Scheme 2023. Collection method: clinical testing. Allele origin: germline.

Labcorp Genetics (formerly Invitae), Labcorp
Classification: Uncertain significance. Last evaluated: 2025-01-20. Review status: criteria provided, single submitter. Criteria: Invitae Variant Classification Sherloc (09022015). Collection method: clinical testing. Allele origin: germline.
Comment: This sequence change replaces glutamic acid, which is acidic and polar, with lysine, which is basic and polar, at codon 103 of the APTX protein (p.Glu103Lys). This variant is present in population databases (no rsID available, gnomAD 0.006%). This variant has not been reported in the literature in individuals affected with APTX-related conditions. ClinVar contains an entry for this variant (Variation ID: 1347063). Invitae Evidence Modeling of protein sequence and biophysical properties (such as structural, functional, and spatial information, amino acid conservation, physicochemical variation, residue mobility, and thermodynamic stability) indicates that this missense variant is not expected to disrupt APTX protein function with a negative predictive value of 80%. In summary, the available evidence is currently insufficient to determine the role of this variant in disease. Therefore, it has been classified as a Variant of Uncertain Significance.

NM_001195248.2(APTX):c.307G>A (p.Glu103Lys)

Gene: APTX (aprataxin; minus strand). Cytogenetic location: 9p21.1.
Variant type: single nucleotide variant.
Coding change: c.307G>A on transcript NM_001195248.2 (MANE Select); coding-DNA position 307, G replaced by A.
Protein change: p.Glu103Lys; replaces glutamic acid 103 with lysine.
Molecular consequence: missense variant. On other transcripts: non-coding transcript variant (13), intron variant (1).
Genome position (GRCh38, 1-based): chr9:32,987,720, C>T on the plus strand (G>A on the coding strand, the complement: APTX is on the minus strand). VCF-style: chr9-32987720-C-T. GRCh37 (hg19) VCF-style: chr9-32987718-C-T.
Other names: c.307G>A (NM_175073.2); c.307G>A, p.Glu103Lys (NM_001195249.2, NM_001195251.2, NM_001368995.1 and 6 more transcripts); c.145G>A, p.Glu49Lys (NM_001195250.2, NM_001195254.2, NM_001369000.1 and 1 more transcripts); c.43G>A, p.Glu15Lys (NM_001369002.1, NM_001369003.1, NM_001369004.1 and 5 more transcripts); c.267+40G>A (NM_001195252.2); short protein forms E103K, E15K, E49K.
Identifiers: ClinVar variation 1347063 (VCV001347063.9), dbSNP rs1244898980, ClinGen allele CA373179958.